The following is an entry in ClinVar:

ClinVar aggregate classification (germline): Pathogenic (1 of 4 stars; one submission).

Allele frequency attached by ClinVar (database versions not stated): gnomAD exomes below 0.00001 and 0.00001; gnomAD 0.00001; TOPMed 0.00002.
gnomAD v4.1: 3 of 1,613,932 alleles (0.00019%); highest among the groups gnomAD compares: African/African-American, 0.004%; no homozygotes.

Submission:

Labcorp Genetics (formerly Invitae), Labcorp
Classification: Pathogenic. Last evaluated: 2023-07-21. Review status: criteria provided, single submitter. Criteria: Invitae Variant Classification Sherloc (09022015). Collection method: clinical testing. Allele origin: germline.
Comment: This sequence change creates a premature translational stop signal (p.Gln308*) in the ARSG gene. It is expected to result in an absent or disrupted protein product. Loss-of-function variants in ARSG are known to be pathogenic (PMID: 26975023, 34223797). This variant is present in population databases (no rsID available, gnomAD 0.007%). This variant has not been reported in the literature in individuals affected with ARSG-related conditions. ClinVar contains an entry for this variant (Variation ID: 1461966). For these reasons, this variant has been classified as Pathogenic.

Literature cited by the submitters: PubMed 26975023; PubMed 34223797.

NM_001267727.2(ARSG):c.922C>T (p.Gln308Ter)

Gene: ARSG (arylsulfatase G; plus strand). Cytogenetic location: 17q24.2.
Variant type: single nucleotide variant.
Coding change: c.922C>T on transcript NM_001267727.2 (MANE Select); coding-DNA position 922, C replaced by T.
Protein change: p.Gln308Ter; replaces glutamine 308 with a stop codon.
Molecular consequence: nonsense.
Genome position (GRCh38, 1-based): chr17:68,370,464, C>T. VCF-style: chr17-68370464-C-T. GRCh37 (hg19) VCF-style: chr17-66366605-C-T.
Other names: c.922C>T, p.Gln308Ter (NM_001352899.2, NM_001352900.2, NM_001352901.2 and 3 more transcripts); c.919C>T, p.Gln307Ter (NM_001352903.2, NM_001352904.2, NM_001352905.2 and 2 more transcripts); c.874C>T, p.Gln292Ter (NM_001352909.2); short protein forms Q307*, Q292*, Q308*.
Identifiers: ClinVar variation 1461966 (VCV001461966.6), dbSNP rs1266313425, ClinGen allele CA400746791.
Genomic context (GRCh38, chr17:68,370,464, plus strand): 5'-AACCAGCCTGGTGACCATTAATGCTTTTTCTGGTTTCTAGGAGACAATGGCCCGTGGGCT[C>T]AGAAGTGTGAGCTAGCGGGCAGTGTGGGTCCCTTCACTGGATTTTGGCAAACTCGTCAAG-3'